The following is an entry in ClinVar:

ClinVar aggregate classification (germline): Uncertain significance. Review status: criteria provided, multiple submitters, no conflicts (2 of 4 stars). 2 submissions from 2 submitters: Uncertain significance (2). Last evaluated 2024-12-02.

Conditions:
OTOG-related disorder. Also called: OTOG-related condition.

Allele frequency attached by ClinVar (database versions not stated): gnomAD 0.00001; gnomAD exomes 0.00002; ExAC 0.00007.
gnomAD v4.1: 34 of 1,549,916 alleles (0.0022%); highest among the groups gnomAD compares: Non-Finnish European, 0.0029%; no homozygotes.

Submissions (2):

PreventionGenetics, part of Exact Sciences
Classification: Uncertain significance for OTOG-related condition. Last evaluated: 2024-12-02. Review status: criteria provided, single submitter. Criteria: ACMG Guidelines, 2015. Collection method: clinical testing. Allele origin: germline.
Comment: The OTOG c.890T>C variant is predicted to result in the amino acid substitution p.Val297Ala. To our knowledge, this variant has not been reported in the literature. This variant is reported in 0.0055% of alleles in individuals of European (Non-Finnish) descent in gnomAD. At this time, the clinical significance of this variant is uncertain due to the absence of conclusive functional and genetic evidence.

Labcorp Genetics (formerly Invitae), Labcorp
Classification: Uncertain significance. Last evaluated: 2021-04-05. Review status: criteria provided, single submitter. Criteria: Invitae Variant Classification Sherloc (09022015). Collection method: clinical testing. Allele origin: germline.
Comment: In summary, the available evidence is currently insufficient to determine the role of this variant in disease. Therefore, it has been classified as a Variant of Uncertain Significance. Algorithms developed to predict the effect of missense changes on protein structure and function (SIFT, PolyPhen-2, Align-GVGD) all suggest that this variant is likely to be tolerated, but these predictions have not been confirmed by published functional studies and their clinical significance is uncertain. This variant has not been reported in the literature in individuals with OTOG-related conditions. While this variant is present in population databases (rs756351208), the frequency information is unreliable, as metrics indicate poor data quality at this position in the ExAC database. This sequence change replaces valine with alanine at codon 297 of the OTOG protein (p.Val297Ala). The valine residue is moderately conserved and there is a small physicochemical difference between valine and alanine.

NM_001292063.2(OTOG):c.854T>C (p.Val285Ala)

Gene: OTOG (otogelin; plus strand). Cytogenetic location: 11p15.1.
Variant type: single nucleotide variant.
Coding change: c.854T>C on transcript NM_001292063.2 (MANE Select); coding-DNA position 854, T replaced by C.
Protein change: p.Val285Ala; replaces valine 285 with alanine.
Molecular consequence: missense variant.
Genome position (GRCh38, 1-based): chr11:17,557,312, T>C. VCF-style: chr11-17557312-T-C. GRCh37 (hg19) VCF-style: chr11-17578859-T-C.
Other names: c.890T>C, p.Val297Ala (NM_001277269.2); c.890T>C (NM_001277269.1); short protein forms V297A, V285A.
Identifiers: ClinVar variation 1420878 (VCV001420878.9), dbSNP rs756351208, ClinGen allele CA5905406.